The following is an entry in ClinVar:

ClinVar aggregate classification (germline): Conflicting classifications of pathogenicity. Review status: criteria provided, conflicting classifications (1 of 4 stars). 3 submissions from 3 submitters: Uncertain significance (1); Benign (1); Likely benign (1). Last evaluated 2026-08-23.

Conditions:
KMT2D-related disorder. Also called: KMT2D-Related Disorders.
Inborn genetic diseases. Identifiers: MedGen C0950123, MeSH D030342.
Kabuki syndrome. Also called: Kabuki make-up syndrome; NIIKAWA-KUROKI SYNDROME. Identifiers: Orphanet 2322, MedGen C0796004, MONDO:0016512.

Allele frequency attached by ClinVar (database versions not stated): gnomAD exomes 0.00001; gnomAD 0.00003 and 0.00004; ExAC 0.00004; TOPMed 0.00004.
gnomAD v4.1: 24 of 1,538,910 alleles (0.0016%); highest among the groups gnomAD compares: Admixed American, 0.006%; no homozygotes.

Submissions (3):

PreventionGenetics, part of Exact Sciences
Classification: Uncertain significance for KMT2D-related condition. Last evaluated: 2026-08-23. Review status: criteria provided, single submitter. Criteria: ACMG Guidelines, 2015. Collection method: clinical testing. Allele origin: germline.
Comment: The KMT2D c.6446C>T variant is predicted to result in the amino acid substitution p.Ser2149Leu. To our knowledge, this variant has not been reported in the literature. This variant is reported in 0.015% of alleles in individuals of African descent in gnomAD, which is likely too common to be an undocumented cause of disease. Although we suspect this variant may be benign, at this time, the clinical significance of this variant is uncertain due to the absence of conclusive functional and genetic evidence.

Labcorp Genetics (formerly Invitae), Labcorp
Classification: Benign for Kabuki syndrome. Last evaluated: 2025-11-28. Review status: criteria provided, single submitter. Criteria: Invitae Variant Classification Sherloc (09022015). Collection method: clinical testing. Allele origin: germline.

Ambry Genetics
Classification: Likely benign for Inborn genetic diseases. Last evaluated: 2022-07-20. Review status: criteria provided, single submitter. Criteria: Ambry Variant Classification Scheme 2023. Collection method: clinical testing. Allele origin: germline.

NM_003482.4(KMT2D):c.6446C>T (p.Ser2149Leu)

Gene: KMT2D (lysine methyltransferase 2D; minus strand). Cytogenetic location: 12q13.12.
Variant type: single nucleotide variant.
Coding change: c.6446C>T on transcript NM_003482.4 (MANE Select); coding-DNA position 6446, C replaced by T.
Protein change: p.Ser2149Leu; replaces serine 2149 with leucine.
Molecular consequence: missense variant.
Genome position (GRCh38, 1-based): chr12:49,041,324, G>A on the plus strand (C>T on the coding strand, the complement: KMT2D is on the minus strand). VCF-style: chr12-49041324-G-A. GRCh37 (hg19) VCF-style: chr12-49435107-G-A.
Other names: c.6446C>T (NM_003482.3); short protein forms S2149L.
Identifiers: ClinVar variation 1434810 (VCV001434810.10), dbSNP rs765486613, ClinGen allele CA6547264.